The following is an entry in ClinVar:

NM_153490.3(KRT13):c.384C>T (p.Ala128=)

Gene: KRT13 (keratin 13; minus strand). Cytogenetic location: 17q21.2.
Variant type: single nucleotide variant.
Coding change: c.384C>T on transcript NM_153490.3 (MANE Select); coding-DNA position 384, C replaced by T.
Protein change: p.Ala128=; no amino-acid change (alanine 128 retained).
Molecular consequence: synonymous variant.
Genome position (GRCh38, 1-based): chr17:41,505,167, G>A on the plus strand (C>T on the coding strand, the complement: KRT13 is on the minus strand). VCF-style: chr17-41505167-G-A. GRCh37 (hg19) VCF-style: chr17-39661419-G-A.
Other names: c.384C>T, p.Ala128= (NM_002274.4).
Identifiers: ClinVar variation 323104 (VCV000323104.10), dbSNP rs149623369, ClinGen allele CA8560807.
Genomic context (GRCh38, chr17:41,505,167, plus strand): 5'-AGGGCTAGCTGGGCTCTGCTTCAGGTGCCAGTCACGGATCTTCACCTCCAGGTCAGCGTT[G>A]GCCTCCTCCAGGGCGCGCACCTTCTCCAGGTAGGAAGCCAGGCGGTCGTTGAGGTTCTGC-3'
Protein context (NP_705694.3, residues 118-138): YLEKVRALEE[Ala128=]NADLEVKIRD

ClinVar aggregate classification (germline): Benign. Review status: criteria provided, multiple submitters, no conflicts (2 of 4 stars). 3 submissions from 3 submitters: Benign (3). Last evaluated 2019-12-31.

Conditions:
White sponge nevus 2 (WSN2). Identifiers: MedGen C4014321, MONDO:0014346, OMIM 615785.

Allele frequency attached by ClinVar (database versions not stated): gnomAD 0.01541 and 0.01543; TOPMed 0.01705; gnomAD exomes 0.00887 and 0.00485; 1000 Genomes Project 30x 0.02171; ExAC 0.00941; ESP Exome Variant Server 0.01453; 1000 Genomes Project 0.02157.
gnomAD v4.1: 9,735 of 1,614,156 alleles (0.6%); highest among the groups gnomAD compares: African/African-American, 4.5%; 163 homozygotes.

Submissions (3):

Labcorp Genetics (formerly Invitae), Labcorp
Classification: Benign. Last evaluated: 2019-12-31. Review status: criteria provided, single submitter. Criteria: Invitae Variant Classification Sherloc (09022015). Collection method: clinical testing. Allele origin: germline.

Illumina Laboratory Services, Illumina
Classification: Benign for White sponge nevus 2. Last evaluated: 2018-01-12. Review status: criteria provided, single submitter. Criteria: ICSL Variant Classification Criteria 13 December 2019. Collection method: clinical testing. Allele origin: germline.
Comment: This variant was observed in the ICSL laboratory as part of a predisposition screen in an ostensibly healthy population. It had not been previously curated by ICSL or reported in the Human Gene Mutation Database (HGMD: prior to June 1st, 2018), and was therefore a candidate for classification through an automated scoring system. Utilizing variant allele frequency, disease prevalence and penetrance estimates, and inheritance mode, an automated score was calculated to assess if this variant is too frequent to cause the disease. Based on the score and internal cut-off values, a variant classified as benign is not then subjected to further curation. The score for this variant resulted in a classification of benign for this disease.

Breakthrough Genomics
Classification: Benign. Review status: criteria provided, single submitter. Criteria: ACMG Guidelines, 2015. Collection method: not provided. Allele origin: germline. Inheritance: Autosomal dominant inheritance. Affected: yes.